The following is an entry in ClinVar:

NM_000435.3(NOTCH3):c.2753G>A (p.Gly918Asp)

Gene: NOTCH3 (notch receptor 3; minus strand). Cytogenetic location: 19p13.12.
Variant type: single nucleotide variant.
Coding change: c.2753G>A on transcript NM_000435.3 (MANE Select); coding-DNA position 2753, G replaced by A.
Protein change: p.Gly918Asp; replaces glycine 918 with aspartic acid.
Molecular consequence: missense variant.
Genome position (GRCh38, 1-based): chr19:15,181,615, C>T on the plus strand (G>A on the coding strand, the complement: NOTCH3 is on the minus strand). VCF-style: chr19-15181615-C-T. GRCh37 (hg19) VCF-style: chr19-15292426-C-T.
Other names: short protein forms G918D.
Identifiers: ClinVar variation 1308522 (VCV001308522.2), dbSNP rs2145423909, ClinGen allele CA404516874.

ClinVar aggregate classification (germline): Uncertain significance (1 of 4 stars; one submission).

Submission:

GeneDx
Classification: Uncertain significance. Last evaluated: 2019-04-02. Review status: criteria provided, single submitter. Criteria: GeneDx Variant Classification Process June 2021. Collection method: clinical testing. Allele origin: germline. Affected: yes.
Comment: Not observed in large population cohorts (Lek et al., 2016); In silico analysis, which includes protein predictors and evolutionary conservation, supports a deleterious effect; Has not been previously published as pathogenic or benign to our knowledge